The following is an entry in ClinVar:

ClinVar aggregate classification (germline): Uncertain significance (0 of 4 stars; one submission).

Submission:

Martin Pollak Laboratory,  Beth Israel Deaconess Medical Center
Classification: Uncertain significance. Review status: no assertion criteria provided. Collection method: not provided. Allele origin: unknown.
Comment: Lower UCa2+ group
ClinVar note: Converted during submission from unknown to Uncertain significance.

NM_003040.4(SLC4A2):c.2242G>T (p.Ala748Ser)

Gene: SLC4A2 (solute carrier family 4 member 2; plus strand). Cytogenetic location: 7q36.1.
Variant type: single nucleotide variant.
Coding change: c.2242G>T on transcript NM_003040.4 (MANE Select); coding-DNA position 2242, G replaced by T.
Protein change: p.Ala748Ser; replaces alanine 748 with serine.
Molecular consequence: missense variant.
Genome position (GRCh38, 1-based): chr7:151,071,739, G>T. VCF-style: chr7-151071739-G-T. GRCh37 (hg19) VCF-style: chr7-150768826-G-T.
Other names: c.2242G>T, p.Ala748Ser (NM_001199692.3); c.2215G>T, p.Ala739Ser (NM_001199693.1); c.2200G>T, p.Ala734Ser (NM_001199694.2); short protein forms A748S, A734S, A739S.
Identifiers: ClinVar variation 64508 (VCV000064508.2), dbSNP rs387907519, ClinGen allele CA216305.
Genomic context (GRCh38, chr7:151,071,739, plus strand): 5'-ACACCCCTAGGAGAGAAGACGCAGGACCTGATAGGGGTGTCGGAGCTGATTATGTCCACA[G>T]CGCTCCAGGGCGTGGTCTTCTGCCTGCTGGGTGCCCAGCCCCTGTTGGTGATCGGCTTCT-3'
Protein context (NP_003031.3, residues 738-758): IGVSELIMST[Ala748Ser]LQGVVFCLLG